The following is an entry in ClinVar:

NM_004100.5(EYA4):c.86C>G (p.Ser29Cys)

Gene: EYA4 (EYA transcriptional coactivator and phosphatase 4; plus strand). Cytogenetic location: 6q23.2.
Variant type: single nucleotide variant.
Coding change: c.86C>G on transcript NM_004100.5 (MANE Select); coding-DNA position 86, C replaced by G.
Protein change: p.Ser29Cys; replaces serine 29 with cysteine.
Molecular consequence: missense variant.
Genome position (GRCh38, 1-based): chr6:133,446,632, C>G. VCF-style: chr6-133446632-C-G. GRCh37 (hg19) VCF-style: chr6-133767770-C-G.
Other names: c.86C>G, p.Ser29Cys (NM_001301012.2, NM_001301013.2, NM_001370458.1 and 3 more transcripts); short protein forms S29C.
Identifiers: ClinVar variation 1906325 (VCV001906325.5), dbSNP rs1792870924, ClinGen allele CA365837906.

ClinVar aggregate classification (germline): Uncertain significance (1 of 4 stars; one submission).

Conditions:
Dilated cardiomyopathy 1J (CMD1J). Also called: CARDIOMYOPATHY, DILATED, WITH SENSORINEURAL HEARING LOSS, AUTOSOMAL DOMINANT. Identifiers: Orphanet 217622, MedGen C1854368, MONDO:0011541, OMIM 605362.

Allele frequency attached by ClinVar (database versions not stated): gnomAD exomes below 0.00001; gnomAD 0.00001.
gnomAD v4.1: 3 of 1,613,792 alleles (0.00019%); highest among the groups gnomAD compares: African/African-American, 0.004%; no homozygotes.

Submission:

Labcorp Genetics (formerly Invitae), Labcorp
Classification: Uncertain significance for Dilated cardiomyopathy 1J. Last evaluated: 2024-04-15. Review status: criteria provided, single submitter. Criteria: Invitae Variant Classification Sherloc (09022015). Collection method: clinical testing. Allele origin: germline.
Comment: This sequence change replaces serine, which is neutral and polar, with cysteine, which is neutral and slightly polar, at codon 29 of the EYA4 protein (p.Ser29Cys). This variant is not present in population databases (gnomAD no frequency). This variant has not been reported in the literature in individuals affected with EYA4-related conditions. ClinVar contains an entry for this variant (Variation ID: 1906325). An algorithm developed to predict the effect of missense changes on protein structure and function (PolyPhen-2) suggests that this variant is likely to be disruptive. In summary, the available evidence is currently insufficient to determine the role of this variant in disease. Therefore, it has been classified as a Variant of Uncertain Significance.